The following is an entry in ClinVar:

NM_015215.4(CAMTA1):c.4958+5A>G

Gene: CAMTA1 (calmodulin binding transcription activator 1; plus strand). Cytogenetic location: 1p36.23.
Variant type: single nucleotide variant.
Coding change: c.4958+5A>G on transcript NM_015215.4 (MANE Select); 5 bases into the intron after coding-DNA position 4958, A replaced by G.
Molecular consequence: intron variant.
Genome position (GRCh38, 1-based): chr1:7,752,538, A>G. VCF-style: chr1-7752538-A-G. GRCh37 (hg19) VCF-style: chr1-7812598-A-G.
Other names: c.4640+5A>G (NM_001349609.2); c.4634+5A>G (NM_001349610.2); c.4619+5A>G (NM_001410737.1); c.4547+5A>G (NM_001410738.1); c.4868+5A>G (NM_001349608.2); c.4550+5A>G (NM_001349612.2); c.2051+5A>G (NM_001349614.1, NM_001349616.2, NM_001349615.2); c.1712+5A>G (NM_001349620.1, NM_001349621.1, NM_001349619.2 and 1 more transcripts); and 3 more.
Identifiers: ClinVar variation 2902829 (VCV002902829.3), dbSNP rs762871304, ClinGen allele CA567291.
Genomic context (GRCh38, chr1:7,752,538, plus strand): 5'-AAGCAGGATCAAGCTGCTCGAAAAATAATGAGGTTTCTTCGCCGCTGTCGCCACAGGTAC[A>G]CTAGTCCTTGTTTATACATTCTGCTCAGGGAGAATGATGAAGCAACCCTGACCTTCTTAA-3'

ClinVar aggregate classification (germline): Uncertain significance (1 of 4 stars; one submission).

Allele frequency attached by ClinVar (database versions not stated): gnomAD exomes below 0.00001; ExAC 0.00001; gnomAD 0.00006; TOPMed 0.00007.
gnomAD v4.1: 13 of 1,597,294 alleles (0.00081%); highest among the groups gnomAD compares: African/African-American, 0.016%; no homozygotes.

Submission:

Labcorp Genetics (formerly Invitae), Labcorp
Classification: Uncertain significance. Last evaluated: 2024-08-22. Review status: criteria provided, single submitter. Criteria: Invitae Variant Classification Sherloc (09022015). Collection method: clinical testing. Allele origin: germline.
Comment: This sequence change falls in intron 21 of the CAMTA1 gene. It does not directly change the encoded amino acid sequence of the CAMTA1 protein. It affects a nucleotide within the consensus splice site. This variant is present in population databases (rs762871304, gnomAD 0.008%). This variant has not been reported in the literature in individuals affected with CAMTA1-related conditions. Variants that disrupt the consensus splice site are a relatively common cause of aberrant splicing (PMID: 17576681, 9536098). Algorithms developed to predict the effect of sequence changes on RNA splicing suggest that this variant is not likely to affect RNA splicing. In summary, the available evidence is currently insufficient to determine the role of this variant in disease. Therefore, it has been classified as a Variant of Uncertain Significance.

Literature cited by the submitters: PubMed 17576681; PubMed 9536098.